The following is an entry in ClinVar:

ClinVar aggregate classification (germline): Likely benign (1 of 4 stars; one submission).

Allele frequency attached by ClinVar (database versions not stated): gnomAD exomes below 0.00001.
gnomAD v4.1: 1 of 1,612,442 alleles (0.000062%); highest among the groups gnomAD compares: Non-Finnish European, 0.000085%; no homozygotes.

Submission:

CeGaT Center for Human Genetics Tuebingen
Classification: Likely benign. Last evaluated: 2022-06-01. Review status: criteria provided, single submitter. Criteria: CeGaT Center For Human Genetics Tuebingen Variant Classification Criteria Version 2. Collection method: clinical testing. Allele origin: germline. Affected: yes. Observed: 1 variant allele.
Comment: NEUROD1: PM2:Supporting, BP4, BP7

NM_002500.5(NEUROD1):c.196C>T (p.Leu66=)

Gene: NEUROD1 (neuronal differentiation 1; minus strand). Cytogenetic location: 2q31.3.
Variant type: single nucleotide variant.
Coding change: c.196C>T on transcript NM_002500.5 (MANE Select); coding-DNA position 196, C replaced by T.
Protein change: p.Leu66=; no amino-acid change (leucine 66 retained).
Molecular consequence: synonymous variant.
Genome position (GRCh38, 1-based): chr2:181,678,665, G>A on the plus strand (C>T on the coding strand, the complement: NEUROD1 is on the minus strand). VCF-style: chr2-181678665-G-A. GRCh37 (hg19) VCF-style: chr2-182543392-G-A.
Identifiers: ClinVar variation 2651735 (VCV002651735.24), dbSNP rs2468610939, ClinGen allele CA430520102.